The following is an entry in ClinVar:

NM_001382.4(DPAGT1):c.85A>T (p.Ile29Phe)

Genes: DPAGT1 (dolichyl-phosphate N-acetylglucosaminephosphotransferase 1; minus strand), LOC126861360 (BRD4-independent group 4 enhancer GRCh37_chr11:118972216-118973415; plus strand). Cytogenetic location: 11q23.3.
Variant type: single nucleotide variant.
Coding change: c.85A>T on transcript NM_001382.4 (MANE Select); coding-DNA position 85, A replaced by T.
Protein change: p.Ile29Phe; replaces isoleucine 29 with phenylalanine.
Molecular consequence: missense variant.
Genome position (GRCh38, 1-based): chr11:119,101,571, T>A on the plus strand (A>T on the coding strand, the complement: DPAGT1 is on the minus strand). VCF-style: chr11-119101571-T-A. GRCh37 (hg19) VCF-style: chr11-118972281-T-A.
Other names: short protein forms I29F.
Identifiers: ClinVar variation 65470 (VCV000065470.17), dbSNP rs397515328, ClinGen allele CA264783.

ClinVar aggregate classification (germline): Conflicting classifications of pathogenicity. Review status: criteria provided, conflicting classifications (1 of 4 stars). 8 submissions from 7 submitters: Pathogenic (2); Likely pathogenic (4); Uncertain significance (1). 1 of the submissions does not count toward it. Last evaluated 2026-08-25.

Conditions:
DPAGT1-related disorder. Also called: DPAGT1-related condition.
DPAGT1-related disorders.
DPAGT1-congenital disorder of glycosylation. Also called: DPAGT1-CDG; CONGENITAL DISORDER OF GLYCOSYLATION, TYPE Ij; CDG Ij. Identifiers: Orphanet 86309, MedGen C2931004, MONDO:0011964, OMIM 608093.
Congenital myasthenic syndrome 13 (CMS13). Also called: Myasthenic syndrome, congenital, with tubular aggregates 2; Myasthenic syndrome, congenital, 13, with tubular aggregates. Identifiers: Orphanet 353327, Orphanet 590, MedGen C3553645, MONDO:0013883, OMIM 614750.

Allele frequency attached by ClinVar (database versions not stated): gnomAD below 0.00001 and 0.00001; TOPMed 0.00002.
gnomAD v4.1: 97 of 1,614,100 alleles (0.006%); highest among the groups gnomAD compares: South Asian, 0.081%; no homozygotes.

Submissions (8):

PreventionGenetics, part of Exact Sciences
Classification: Likely pathogenic for DPAGT1-related condition. Last evaluated: 2026-08-25. Review status: criteria provided, single submitter. Criteria: ACMG Guidelines, 2015. Collection method: clinical testing. Allele origin: germline.
Comment: The DPAGT1 c.85A>T variant is predicted to result in the amino acid substitution p.Ile29Phe. This variant was reported in the compound heterozygous state in individuals with congenital disorder of glycosylation and congenital myasthenic syndrome (Iqbal et al. 2013. PubMed ID: 23249953; Klein et al. 2014. PubMed ID: 25500013; Polavarapu et al. 2024. PubMed ID: 37721175). This variant is reported in 0.085% of alleles in individuals of South Asian descent in gnomAD. This variant is interpreted as likely pathogenic.

Labcorp Genetics (formerly Invitae), Labcorp
Classification: Pathogenic for Congenital myasthenic syndrome 13; DPAGT1-congenital disorder of glycosylation. Last evaluated: 2025-11-24. Review status: criteria provided, single submitter. Criteria: Invitae Variant Classification Sherloc (09022015). Collection method: clinical testing. Allele origin: germline.
Comment: This sequence change replaces isoleucine, which is neutral and non-polar, with phenylalanine, which is neutral and non-polar, at codon 29 of the DPAGT1 protein (p.Ile29Phe). This variant is present in population databases (rs397515328, gnomAD 0.08%). This missense change has been observed in individuals with congenital disorder of glycosylation and/or congenital myasthenic syndrome (PMID: 23249953, 25500013; internal data). It has also been observed to segregate with disease in related individuals. ClinVar contains an entry for this variant (Variation ID: 65470). Invitae Evidence Modeling of protein sequence and biophysical properties (such as structural, functional, and spatial information, amino acid conservation, physicochemical variation, residue mobility, and thermodynamic stability) indicates that this missense variant is not expected to disrupt DPAGT1 protein function with a negative predictive value of 80%. Experimental studies have shown that this missense change affects DPAGT1 function (PMID: 25500013). For these reasons, this variant has been classified as Pathogenic.

First Genomix Gene Laboratory, Genetic Diagnostics Department
Classification: Likely pathogenic for DPAGT1-congenital disorder of glycosylation; Congenital myasthenic syndrome 13. Last evaluated: 2025-09-04. Review status: criteria provided, single submitter. Criteria: ACMG Guidelines, 2015. Collection method: clinical testing. Allele origin: germline. Inheritance: Autosomal recessive inheritance. Affected: no. Observed: 1 variant allele.

Blueprint Genetics
Classification: Pathogenic for DPAGT1-related disorders. Last evaluated: 2024-10-18. Review status: criteria provided, single submitter. Criteria: ACMG Guidelines, 2015. Collection method: clinical testing. Allele origin: germline. Affected: yes. Observed: 5 variant alleles.

Institute of Medical Genetics and Genomics, Sir Ganga Ram Hospital
Classification: Likely pathogenic for Congenital myasthenic syndrome 13. Last evaluated: 2023-06-24. Review status: criteria provided, single submitter. Criteria: ACMG Guidelines, 2015. Collection method: clinical testing. Allele origin: inherited. Inheritance: Autosomal recessive inheritance. Affected: yes.
Comment: This variant is observed in 0.0103% gnomAD (aggregated) database (PM2_moderate). DPAGT1 has low rate of benign missense variants with 22 reported pathogenic missense variants (PP2_supporting). It has been previously reported PMID: 25500013 (PP5_supporting)

Institute of Medical Genetics and Genomics, Sir Ganga Ram Hospital
Classification: Likely pathogenic for DPAGT1-congenital disorder of glycosylation. Last evaluated: 2023-06-24. Review status: criteria provided, single submitter. Criteria: ACMG Guidelines, 2015. Collection method: clinical testing. Allele origin: inherited. Inheritance: Autosomal recessive inheritance. Affected: yes. Observed: 1 compound heterozygote.
Comment: This variant is observed in 0.0103% gnomAD (aggregated) database (PM2_moderate). DPAGT1 has low rate of benign missense variants with 22 reported pathogenic missense variants (PP2_supporting). It has been previously reported PMID: 25500013 (PP5_supporting).

Department of Pathology and Laboratory Medicine, Sinai Health System
Classification: Uncertain significance for DPAGT1-congenital disorder of glycosylation. Last evaluated: 2023-05-03. Review status: criteria provided, single submitter. Criteria: ACMG Guidelines, 2015. Collection method: research. Allele origin: germline.

OMIM
Classification: Pathogenic for CONGENITAL DISORDER OF GLYCOSYLATION, TYPE Ij. Last evaluated: 2013-08-01. Review status: no assertion criteria provided. Collection method: literature only. Allele origin: germline. Not counted in ClinVar's aggregate classification.

Literature cited by the submitters: PubMed 23249953 (cited by Labcorp Genetics (formerly Invitae), Labcorp and OMIM); PubMed 25500013 (cited by Labcorp Genetics (formerly Invitae), Labcorp and Institute of Medical Genetics and Genomics, Sir Ganga Ram Hospital).